The following is an entry in ClinVar:

NM_004333.6(BRAF):c.1689C>T (p.Gly563=)

Gene: BRAF (B-Raf proto-oncogene, serine/threonine kinase; minus strand). Cytogenetic location: 7q34.
Variant type: single nucleotide variant.
Coding change: c.1689C>T on transcript NM_004333.6 (MANE Select); coding-DNA position 1689, C replaced by T.
Protein change: p.Gly563=; no amino-acid change (glycine 563 retained).
Molecular consequence: synonymous variant.
Genome position (GRCh38, 1-based): chr7:140,776,917, G>A on the plus strand (C>T on the coding strand, the complement: BRAF is on the minus strand). VCF-style: chr7-140776917-G-A. GRCh37 (hg19) VCF-style: chr7-140476717-G-A.
Other names: c.1689C>T, p.Gly563= (NM_001354609.2, NM_001378468.1, NM_001378474.1); c.1809C>T, p.Gly603= (NM_001374244.1, NM_001374258.1); c.1698C>T, p.Gly566= (NM_001378467.1); c.1623C>T, p.Gly541= (NM_001378469.1); c.1587C>T, p.Gly529= (NM_001378470.1); c.1578C>T, p.Gly526= (NM_001378471.1); c.1533C>T, p.Gly511= (NM_001378472.1, NM_001378473.1); c.1425C>T, p.Gly475= (NM_001378475.1).
Identifiers: ClinVar variation 3656960 (VCV003656960.2).

ClinVar aggregate classification (germline): Uncertain significance (1 of 4 stars; one submission).

Conditions:
RASopathy. Also called: rasopathies; Noonan spectrum disorder. Identifiers: Orphanet 536391, MedGen C5555857, MONDO:0021060.

Submission:

Labcorp Genetics (formerly Invitae), Labcorp
Classification: Uncertain significance for RASopathy. Last evaluated: 2024-06-19. Review status: criteria provided, single submitter. Criteria: Invitae Variant Classification Sherloc (09022015). Collection method: clinical testing. Allele origin: germline.
Comment: This sequence change affects codon 563 of the BRAF mRNA. It is a 'silent' change, meaning that it does not change the encoded amino acid sequence of the BRAF protein. This variant is not present in population databases (gnomAD no frequency). This variant has not been reported in the literature in individuals affected with BRAF-related conditions. Algorithms developed to predict the effect of sequence changes on RNA splicing suggest that this variant may create or strengthen a splice site. In summary, the available evidence is currently insufficient to determine the role of this variant in disease. Therefore, it has been classified as a Variant of Uncertain Significance.